The following is an entry in ClinVar:

ClinVar aggregate classification (germline): Likely benign. Review status: criteria provided, multiple submitters, no conflicts (2 of 4 stars). 2 submissions from 2 submitters: Likely benign (2). Last evaluated 2025-07-31.

Conditions:
SCN11A-related disorder. Also called: SCN11A-related condition.
Hereditary sensory and autonomic neuropathy type 7. Also called: Neuropathy, hereditary sensory and autonomic, type VII; HSAN VII. Identifiers: Orphanet 391397, MedGen C3809882, MONDO:0014244, OMIM 615548.
Familial episodic pain syndrome with predominantly lower limb involvement. Also called: Episodic pain syndrome, familial, 3. Identifiers: Orphanet 391384, Orphanet 391392, MedGen C3809899, MONDO:0014247, OMIM 615552.

Allele frequency attached by ClinVar (database versions not stated): gnomAD exomes 0.00007 and 0.00018; gnomAD 0.00009; ExAC 0.00013; TOPMed 0.00013.
gnomAD v4.1: 113 of 1,614,080 alleles (0.007%); highest among the groups gnomAD compares: East Asian, 0.24%; no homozygotes.

Submissions (2):

PreventionGenetics, part of Exact Sciences
Classification: Likely benign for SCN11A-related condition. Last evaluated: 2025-07-31. Review status: criteria provided, single submitter. Criteria: ACMG Guidelines, 2015. Collection method: clinical testing. Allele origin: germline.
Comment: This variant is classified as likely benign based on ACMG/AMP sequence variant interpretation guidelines (Richards et al. 2015 PMID: 25741868, with internal and published modifications).

Labcorp Genetics (formerly Invitae), Labcorp
Classification: Likely benign for Familial episodic pain syndrome with predominantly lower limb involvement; Hereditary sensory and autonomic neuropathy type 7. Last evaluated: 2024-10-05. Review status: criteria provided, single submitter. Criteria: Invitae Variant Classification Sherloc (09022015). Collection method: clinical testing. Allele origin: germline.

NM_001349253.2(SCN11A):c.4699T>C (p.Cys1567Arg)

Gene: SCN11A (sodium voltage-gated channel alpha subunit 11; minus strand). Cytogenetic location: 3p22.2.
Variant type: single nucleotide variant.
Coding change: c.4699T>C on transcript NM_001349253.2 (MANE Select); coding-DNA position 4699, T replaced by C.
Protein change: p.Cys1567Arg; replaces cysteine 1567 with arginine.
Molecular consequence: missense variant.
Genome position (GRCh38, 1-based): chr3:38,847,371, A>G on the plus strand (T>C on the coding strand, the complement: SCN11A is on the minus strand). VCF-style: chr3-38847371-A-G. GRCh37 (hg19) VCF-style: chr3-38888862-A-G.
Other names: c.4699T>C (NM_014139.2); c.4699T>C, p.Cys1567Arg (NM_014139.3); short protein forms C1567R.
Identifiers: ClinVar variation 1618484 (VCV001618484.9), dbSNP rs201595463, ClinGen allele CA2321466.